The following is an entry in ClinVar:

ClinVar aggregate classification (germline): Uncertain significance (1 of 4 stars; one submission).

Allele frequency attached by ClinVar (database versions not stated): gnomAD exomes below 0.00001; ExAC 0.00001.

Submission:

Labcorp Genetics (formerly Invitae), Labcorp
Classification: Uncertain significance. Last evaluated: 2025-04-14. Review status: criteria provided, single submitter. Criteria: Invitae Variant Classification Sherloc (09022015). Collection method: clinical testing. Allele origin: germline.
Comment: This sequence change replaces glutamic acid, which is acidic and polar, with lysine, which is basic and polar, at codon 473 of the NEFH protein (p.Glu473Lys). This variant is present in population databases (rs766232786, gnomAD 0.0009%). This variant has not been reported in the literature in individuals affected with NEFH-related conditions. ClinVar contains an entry for this variant (Variation ID: 1485717). Invitae Evidence Modeling of protein sequence and biophysical properties (such as structural, functional, and spatial information, amino acid conservation, physicochemical variation, residue mobility, and thermodynamic stability) indicates that this missense variant is not expected to disrupt NEFH protein function with a negative predictive value of 95%. In summary, the available evidence is currently insufficient to determine the role of this variant in disease. Therefore, it has been classified as a Variant of Uncertain Significance.

NM_021076.4(NEFH):c.1417G>A (p.Glu473Lys)

Gene: NEFH (neurofilament heavy chain; plus strand). Cytogenetic location: 22q12.2.
Variant type: single nucleotide variant.
Coding change: c.1417G>A on transcript NM_021076.4 (MANE Select); coding-DNA position 1417, G replaced by A.
Protein change: p.Glu473Lys; replaces glutamic acid 473 with lysine.
Molecular consequence: missense variant.
Genome position (GRCh38, 1-based): chr22:29,489,057, G>A. VCF-style: chr22-29489057-G-A. GRCh37 (hg19) VCF-style: chr22-29885046-G-A.
Other names: short protein forms E473K.
Identifiers: ClinVar variation 1485717 (VCV001485717.8), dbSNP rs766232786, ClinGen allele CA10174205.
Genomic context (GRCh38, chr22:29,489,057, plus strand): 5'-GAAACTGTGATTGTGGAGGAACAGACAGAGGAGACCCAAGTGACTGAAGAAGTGACTGAA[G>A]AAGAGGAGAAAGAGGCCAAAGAGGAGGAGGGCAAGGAGGAAGAAGGGGGTGAAGAAGAGG-3'
Protein context (NP_066554.2, residues 463-483): ETQVTEEVTE[Glu473Lys]EEKEAKEEEG